The following is an entry in ClinVar:

NM_005334.3(HCFC1):c.5828C>G (p.Pro1943Arg)

Gene: HCFC1 (host cell factor C1; minus strand). Cytogenetic location: Xq28.
Variant type: single nucleotide variant.
Coding change: c.5828C>G on transcript NM_005334.3 (MANE Select); coding-DNA position 5828, C replaced by G.
Protein change: p.Pro1943Arg; replaces proline 1943 with arginine.
Molecular consequence: missense variant.
Genome position (GRCh38, 1-based): chrX:153,950,419, G>C on the plus strand (C>G on the coding strand, the complement: HCFC1 is on the minus strand). VCF-style: chrX-153950419-G-C. GRCh37 (hg19) VCF-style: chrX-153215870-G-C.
Other names: c.5963C>G, p.Pro1988Arg (NM_001410705.1); short protein forms P1943R, P1988R.
Identifiers: ClinVar variation 2574490 (VCV002574490.1), dbSNP rs374509773, ClinGen allele CA415102680.

ClinVar aggregate classification (germline): Uncertain significance (1 of 4 stars; one submission).

Submission:

GeneDx
Classification: Uncertain significance. Last evaluated: 2023-01-27. Review status: criteria provided, single submitter. Criteria: GeneDx Variant Classification Process June 2021. Collection method: clinical testing. Allele origin: germline. Affected: yes.
Comment: Not observed at significant frequency in large population cohorts (gnomAD); In silico analysis supports that this missense variant has a deleterious effect on protein structure/function; Has not been previously published as pathogenic or benign to our knowledge